The following is an entry in ClinVar:

NM_020937.4(FANCM):c.4807G>A (p.Glu1603Lys)

Gene: FANCM (FA complementation group M; plus strand). Cytogenetic location: 14q21.2.
Variant type: single nucleotide variant.
Coding change: c.4807G>A on transcript NM_020937.4 (MANE Select); coding-DNA position 4807, G replaced by A.
Protein change: p.Glu1603Lys; replaces glutamic acid 1603 with lysine.
Molecular consequence: missense variant.
Genome position (GRCh38, 1-based): chr14:45,188,829, G>A. VCF-style: chr14-45188829-G-A. GRCh37 (hg19) VCF-style: chr14-45658032-G-A.
Other names: c.4729G>A, p.Glu1577Lys (NM_001308133.2); short protein forms E1603K, E1577K.
Identifiers: ClinVar variation 4841748 (VCV004841748.1).

ClinVar aggregate classification (germline): Uncertain significance (1 of 4 stars; one submission).

Conditions:
Inborn genetic diseases. Identifiers: MedGen C0950123, MeSH D030342.

Submission:

Ambry Genetics
Classification: Uncertain significance for Inborn genetic diseases. Last evaluated: 2025-12-26. Review status: criteria provided, single submitter. Criteria: Ambry Variant Classification Scheme 2023. Collection method: clinical testing. Allele origin: germline.
Comment: The p.E1603K variant (also known as c.4807G>A), located in coding exon 20 of the FANCM gene, results from a G to A substitution at nucleotide position 4807. The glutamic acid at codon 1603 is replaced by lysine, an amino acid with similar properties. This amino acid position is conserved. In addition, the in silico prediction for this alteration is inconclusive. Based on the available evidence, the clinical significance of this variant remains unclear.